The following is an entry in ClinVar:

ClinVar aggregate classification (germline): Likely benign. Review status: criteria provided, multiple submitters, no conflicts (2 of 4 stars). 2 submissions from 2 submitters: Likely benign (2). Last evaluated 2026-04-04.

Conditions:
NUP93-related disorder. Also called: NUP93-related condition.

Allele frequency attached by ClinVar (database versions not stated): ExAC 0.00009; 1000 Genomes Project 30x 0.00016; 1000 Genomes Project 0.00020; gnomAD 0.00036; ESP Exome Variant Server 0.00038; TOPMed 0.00043.
gnomAD v4.1: 117 of 1,613,524 alleles (0.0073%); highest among the groups gnomAD compares: African/African-American, 0.14%; no homozygotes.

Submissions (2):

PreventionGenetics, part of Exact Sciences
Classification: Likely benign for NUP93-related condition. Last evaluated: 2026-04-04. Review status: criteria provided, single submitter. Criteria: ACMG Guidelines, 2015. Collection method: clinical testing. Allele origin: germline.
Comment: This variant is classified as likely benign based on ACMG/AMP sequence variant interpretation guidelines (Richards et al. 2015 PMID: 25741868, with internal and published modifications).

Labcorp Genetics (formerly Invitae), Labcorp
Classification: Likely benign. Last evaluated: 2025-11-01. Review status: criteria provided, single submitter. Criteria: Invitae Variant Classification Sherloc (09022015). Collection method: clinical testing. Allele origin: germline.

NM_014669.5(NUP93):c.874T>C (p.Leu292=)

Gene: NUP93 (nucleoporin 93; plus strand). Cytogenetic location: 16q13.
Variant type: single nucleotide variant.
Coding change: c.874T>C on transcript NM_014669.5 (MANE Select); coding-DNA position 874, T replaced by C.
Protein change: p.Leu292=; no amino-acid change (leucine 292 retained).
Molecular consequence: synonymous variant.
Genome position (GRCh38, 1-based): chr16:56,829,056, T>C. VCF-style: chr16-56829056-T-C. GRCh37 (hg19) VCF-style: chr16-56862968-T-C.
Other names: c.505T>C, p.Leu169= (NM_001242795.2, NM_001242796.2); c.874T>C (NM_014669.4).
Identifiers: ClinVar variation 2710773 (VCV002710773.4), dbSNP rs150588012, ClinGen allele CA8068248.
Genomic context (GRCh38, chr16:56,829,056, plus strand): 5'-GTGACTGTCTTTGGAAATTTGCATCAGGCCCAGCTGGGCGGGGTGCCTGGGACTTACCAA[T>C]TGGTTCGAAGTTTCCTGAACATTAAACTGCCAGCTCCCTTGCCTGGACTACAGGTACTGA-3'
Protein context (NP_055484.3, residues 282-302): QLGGVPGTYQ[Leu292=]VRSFLNIKLP